The following is an entry in ClinVar:

NM_001110556.2(FLNA):c.4599-17A>C

Gene: FLNA (filamin A; minus strand). Cytogenetic location: Xq28.
Variant type: single nucleotide variant.
Coding change: c.4599-17A>C on transcript NM_001110556.2 (MANE Select); 17 bases into the intron before coding-DNA position 4599, A replaced by C.
Molecular consequence: intron variant.
Genome position (GRCh38, 1-based): chrX:154,358,372, T>G on the plus strand (A>C on the coding strand, the complement: FLNA is on the minus strand). VCF-style: chrX-154358372-T-G. GRCh37 (hg19) VCF-style: chrX-153586740-T-G.
Other names: c.4599-17A>C (NM_001456.4).
Identifiers: ClinVar variation 508022 (VCV000508022.9), dbSNP rs782093944, ClinGen allele CA10560496.

ClinVar aggregate classification (germline): Likely benign. Review status: criteria provided, multiple submitters, no conflicts (2 of 4 stars). 2 submissions from 2 submitters: Likely benign (2). Last evaluated 2024-10-08.

Conditions:
Melnick-Needles syndrome (MNS). Also called: MELNICK-NEEDLES OSTEODYSPLASTY; Melnick-Needles Syndrome (FLNA-MNS); OSTEODYSPLASTY OF MELNICK AND NEEDLES. Identifiers: Orphanet 2484, MedGen C0025237, MONDO:0010650, OMIM 309350.
Frontometaphyseal dysplasia (FMD1). Identifiers: Orphanet 1826, MedGen C0265293, MONDO:0015942.
Heterotopia, periventricular, X-linked dominant (PVNH1). Also called: PERIVENTRICULAR NODULAR HETEROTOPIA 4; HETEROTOPIA, PERIVENTRICULAR, 1; PERIVENTRICULAR NODULAR HETEROTOPIA 1; X-linked periventricular heterotopia. Identifiers: Orphanet 2149, Orphanet 82004, MedGen C1848213, MONDO:0010233, OMIM 300049.
Oto-palato-digital syndrome, type II (OPD2). Also called: Otopalatodigital Syndrome Type 2 (FLNA-OPD2); FACIOPALATOOSSEOUS SYNDROME; OPD II SYNDROME; Otopalatodigital Syndrome, Type II. Identifiers: Orphanet 669, Orphanet 90652, MedGen C1844696, MONDO:0010571, OMIM 304120.

Allele frequency attached by ClinVar (database versions not stated): ExAC 0.00001; gnomAD exomes 0.00001; TOPMed 0.00005.

Submissions (2):

Labcorp Genetics (formerly Invitae), Labcorp
Classification: Likely benign for Oto-palato-digital syndrome, type II; Heterotopia, periventricular, X-linked dominant; Frontometaphyseal dysplasia; Melnick-Needles syndrome. Last evaluated: 2024-10-08. Review status: criteria provided, single submitter. Criteria: Invitae Variant Classification Sherloc (09022015). Collection method: clinical testing. Allele origin: germline.

GeneDx
Classification: Likely benign. Last evaluated: 2017-03-21. Review status: criteria provided, single submitter. Criteria: GeneDx Variant Classification (06012015). Collection method: clinical testing. Allele origin: germline. Affected: yes.
Comment: This variant is considered likely benign or benign based on one or more of the following criteria: it is a conservative change, it occurs at a poorly conserved position in the protein, it is predicted to be benign by multiple in silico algorithms, and/or has population frequency not consistent with disease.